The following is an entry in ClinVar:

ClinVar aggregate classification (germline): Uncertain significance (1 of 4 stars; one submission).

Conditions:
Emery-Dreifuss muscular dystrophy 5, autosomal dominant (EDMD5). Also called: EMERY-DREIFUSS MUSCULAR DYSTROPHY 5. Identifiers: Orphanet 261, MedGen C2751805, MONDO:0013072, OMIM 612999.

Submission:

Labcorp Genetics (formerly Invitae), Labcorp
Classification: Uncertain significance for Emery-Dreifuss muscular dystrophy 5, autosomal dominant. Last evaluated: 2021-08-06. Review status: criteria provided, single submitter. Criteria: Invitae Variant Classification Sherloc (09022015). Collection method: clinical testing. Allele origin: germline.
Comment: In summary, the available evidence is currently insufficient to determine the role of this variant in disease. Therefore, it has been classified as a Variant of Uncertain Significance. Algorithms developed to predict the effect of missense changes on protein structure and function are either unavailable or do not agree on the potential impact of this missense change (SIFT: "Tolerated"; PolyPhen-2: "Probably Damaging"; Align-GVGD: "Class C15"). This variant has not been reported in the literature in individuals affected with SYNE2-related conditions. This variant is not present in population databases (ExAC no frequency). This sequence change replaces glycine with valine at codon 4746 of the SYNE2 protein (p.Gly4746Val). The glycine residue is moderately conserved and there is a moderate physicochemical difference between glycine and valine.

NM_182914.3(SYNE2):c.14237G>T (p.Gly4746Val)

Gene: SYNE2 (spectrin repeat containing nuclear envelope protein 2; plus strand). Cytogenetic location: 14q23.2.
Variant type: single nucleotide variant.
Coding change: c.14237G>T on transcript NM_182914.3 (MANE Select); coding-DNA position 14237, G replaced by T.
Protein change: p.Gly4746Val; replaces glycine 4746 with valine.
Molecular consequence: missense variant.
Genome position (GRCh38, 1-based): chr14:64,130,145, G>T. VCF-style: chr14-64130145-G-T. GRCh37 (hg19) VCF-style: chr14-64596863-G-T.
Other names: c.14237G>T, p.Gly4746Val (NM_015180.6); short protein forms G4746V.
Identifiers: ClinVar variation 1366662 (VCV001366662.8), dbSNP rs2153678880, ClinGen allele CA389979825.